The following is an entry in ClinVar:

NM_001005242.3(PKP2):c.1516C>T (p.Leu506Phe)

Gene: PKP2 (plakophilin 2; minus strand). Cytogenetic location: 12p11.21.
Variant type: single nucleotide variant.
Coding change: c.1516C>T on transcript NM_001005242.3 (MANE Select); coding-DNA position 1516, C replaced by T.
Protein change: p.Leu506Phe; replaces leucine 506 with phenylalanine.
Molecular consequence: missense variant.
Genome position (GRCh38, 1-based): chr12:32,841,068, G>A on the plus strand (C>T on the coding strand, the complement: PKP2 is on the minus strand). VCF-style: chr12-32841068-G-A. GRCh37 (hg19) VCF-style: chr12-32994002-G-A.
Other names: c.1648C>T, p.Leu550Phe (NM_004572.4); short protein forms L506F, L550F.
Identifiers: ClinVar variation 921352 (VCV000921352.5), dbSNP rs1956586574, ClinGen allele CA384367430.

ClinVar aggregate classification (germline): Uncertain significance (1 of 4 stars; one submission).

Conditions:
Cardiomyopathy (CMYO). Also called: Cardiomyopathies. Identifiers: Orphanet 167848, MedGen C0878544, MONDO:0004994, HP:0001638. Inheritance: Various modes of inheritance.

Allele frequency attached by ClinVar (database versions not stated): gnomAD exomes 0.00001.

Submission:

Color Diagnostics, LLC DBA Color Health
Classification: Uncertain significance for Cardiomyopathy. Last evaluated: 2023-12-04. Review status: criteria provided, single submitter. Criteria: ACMG Guidelines, 2015. Collection method: clinical testing. Allele origin: germline.
Comment: This missense variant replaces leucine with phenylalanine at codon 550 of the PKP2 protein. Computational prediction tools and conservation analyses are inconclusive regarding the impact of this variant on the protein function. Computational splicing tools suggest that this variant may not impact RNA splicing. To our knowledge, functional assays have not been performed for this variant nor has this variant been reported in individuals affected with cardiovascular disorders in the literature. This variant has not been identified in the general population by the Genome Aggregation Database (gnomAD). Available evidence is insufficient to determine the role of this variant in disease conclusively. Therefore, this variant is classified as a Variant of Uncertain Significance.